The following is an entry in ClinVar:

NM_014714.4(IFT140):c.387G>A (p.Leu129=)

Genes: IFT140 (intraflagellar transport 140; minus strand), LOC105371046 (uncharacterized LOC105371046; plus strand). Cytogenetic location: 16p13.3.
Variant type: single nucleotide variant.
Coding change: c.387G>A on transcript NM_014714.4 (MANE Select); coding-DNA position 387, G replaced by A.
Protein change: p.Leu129=; no amino-acid change (leucine 129 retained).
Molecular consequence: synonymous variant.
Genome position (GRCh38, 1-based): chr16:1,592,571, C>T on the plus strand (G>A on the coding strand, the complement: IFT140 is on the minus strand). VCF-style: chr16-1592571-C-T. GRCh37 (hg19) VCF-style: chr16-1642572-C-T.
Identifiers: ClinVar variation 747154 (VCV000747154.11), dbSNP rs369420968, ClinGen allele CA276686442.
Genomic context (GRCh38, chr16:1,592,571, plus strand): 5'-CCCATACTCGTGTTTCAGCAGAGGCGTCCCTTGCACTCGGCCCCTTTGGTCCAACCTCCA[C>T]AAGAGCAAGACACCAAGCTGGAAAGACCCAACACCACGTGTTAGGACAGGTGTCCCGGCA-3'
Protein context (NP_055529.2, residues 119-139): LSGDRLGVLL[Leu129=]WRLDQRGRVQ

ClinVar aggregate classification (germline): Likely benign. Review status: criteria provided, multiple submitters, no conflicts (2 of 4 stars). 3 submissions from 3 submitters: Likely benign (3). Last evaluated 2026-01-20.

Conditions:
Saldino-Mainzer syndrome (SRTD9). Also called: SHORT-RIB THORACIC DYSPLASIA 9 WITHOUT POLYDACTYLY; short-rib thoracic dysplasia 9 with or without polydactyly; Renal dysplasia, retinal pigmentary dystrophy, cerebellar ataxia and skeletal dysplasia; CONORENAL SYNDROME. Identifiers: Orphanet 140969, MedGen C1849437, MONDO:0009964, OMIM 266920.
IFT140-related disorder. Also called: IFT140-related condition.

Allele frequency attached by ClinVar (database versions not stated): gnomAD exomes below 0.00001; TOPMed below 0.00001.
gnomAD v4.1: 6 of 1,614,170 alleles (0.00037%); highest among the groups gnomAD compares: Non-Finnish European, 0.000085%; no homozygotes.

Submissions (3):

Labcorp Genetics (formerly Invitae), Labcorp
Classification: Likely benign for Saldino-Mainzer syndrome. Last evaluated: 2026-01-20. Review status: criteria provided, single submitter. Criteria: Invitae Variant Classification Sherloc (09022015). Collection method: clinical testing. Allele origin: germline.

PreventionGenetics, part of Exact Sciences
Classification: Likely benign for IFT140-related condition. Last evaluated: 2026-01-06. Review status: criteria provided, single submitter. Criteria: ACMG Guidelines, 2015. Collection method: clinical testing. Allele origin: germline.
Comment: This variant is classified as likely benign based on ACMG/AMP sequence variant interpretation guidelines (Richards et al. 2015 PMID: 25741868, with internal and published modifications).

Blueprint Genetics
Classification: Likely benign. Last evaluated: 2024-08-09. Review status: criteria provided, single submitter. Criteria: ACMG Guidelines, 2015. Collection method: clinical testing. Allele origin: germline.